The following is an entry in ClinVar:

NM_000051.4(ATM):c.3964C>T (p.Leu1322Phe)

Gene: ATM (ATM serine/threonine kinase; plus strand). Cytogenetic location: 11q22.3.
Variant type: single nucleotide variant.
Coding change: c.3964C>T on transcript NM_000051.4 (MANE Select); coding-DNA position 3964, C replaced by T.
Protein change: p.Leu1322Phe; replaces leucine 1322 with phenylalanine.
Molecular consequence: missense variant.
Genome position (GRCh38, 1-based): chr11:108,284,444, C>T. VCF-style: chr11-108284444-C-T. GRCh37 (hg19) VCF-style: chr11-108155171-C-T.
Other names: c.3964C>T, p.Leu1322Phe (NM_001351834.2); short protein forms L1322F.
Identifiers: ClinVar variation 236712 (VCV000236712.10), dbSNP rs144535256, ClinGen allele CA10582814.

ClinVar aggregate classification (germline): Uncertain significance. Review status: criteria provided, multiple submitters, no conflicts (2 of 4 stars). 3 submissions from 3 submitters: Uncertain significance (3). Last evaluated 2025-05-02.

Conditions:
Hereditary cancer-predisposing syndrome. Also called: Tumor predisposition; Hereditary Cancer Syndrome; Hereditary neoplastic syndrome; Neoplastic Syndromes, Hereditary. Identifiers: Orphanet 140162, MedGen C0027672, MeSH D009386, MONDO:0015356.
Familial cancer of breast. Also called: hereditary breast carcinoma; BREAST CANCER, FAMILIAL; Hereditary breast cancer. Identifiers: Orphanet 227535, MedGen C0346153, MONDO:0016419, OMIM 114480. Disease mechanism: loss of function.
Ataxia-telangiectasia syndrome (AT). Also called: Ataxia telangiectasia (A-T); LOUIS-BAR SYNDROME; Cerebello-oculocutaneous telangiectasia; Immunodeficiency with ataxia telangiectasia; ATAXIA-TELANGIECTASIA, COMPLEMENTATION GROUP A; ATAXIA-TELANGIECTASIA, FRESNO VARIANT. Identifiers: Orphanet 100, MedGen C0004135, MONDO:0008840, OMIM 208900.

Submissions (3):

Ambry Genetics
Classification: Uncertain significance for Hereditary cancer-predisposing syndrome. Last evaluated: 2025-05-02. Review status: criteria provided, single submitter. Criteria: Ambry Variant Classification Scheme 2023. Collection method: clinical testing. Allele origin: germline.
Comment: The p.L1322F variant (also known as c.3964C>T), located in coding exon 25 of the ATM gene, results from a C to T substitution at nucleotide position 3964. The leucine at codon 1322 is replaced by phenylalanine, an amino acid with highly similar properties. This amino acid position is conserved. In addition, the in silico prediction for this alteration is inconclusive. Based on the available evidence, the clinical significance of this variant remains unclear.

Baylor Genetics
Classification: Uncertain significance for Familial cancer of breast. Last evaluated: 2023-10-27. Review status: criteria provided, single submitter. Criteria: ACMG Guidelines, 2015. Collection method: clinical testing. Allele origin: unknown.

Labcorp Genetics (formerly Invitae), Labcorp
Classification: Uncertain significance for Ataxia-telangiectasia syndrome. Last evaluated: 2023-10-13. Review status: criteria provided, single submitter. Criteria: Invitae Variant Classification Sherloc (09022015). Collection method: clinical testing. Allele origin: germline.
Comment: This sequence change replaces leucine, which is neutral and non-polar, with phenylalanine, which is neutral and non-polar, at codon 1322 of the ATM protein (p.Leu1322Phe). This variant is not present in population databases (gnomAD no frequency). This variant has not been reported in the literature in individuals affected with ATM-related conditions. ClinVar contains an entry for this variant (Variation ID: 236712). An algorithm developed to predict the effect of missense changes on protein structure and function (PolyPhen-2) suggests that this variant is likely to be disruptive. In summary, the available evidence is currently insufficient to determine the role of this variant in disease. Therefore, it has been classified as a Variant of Uncertain Significance.